The following is an entry in ClinVar:

ClinVar aggregate classification (germline): Benign/Likely benign. Review status: criteria provided, multiple submitters, no conflicts (2 of 4 stars). 5 submissions from 5 submitters: Benign (3); Likely benign (1). 1 of the submissions does not count toward it. Last evaluated 2026-01-28.

Conditions:
Inborn genetic diseases. Identifiers: MedGen C0950123, MeSH D030342.
Rafiq syndrome (RAFQS). Identifiers: Orphanet 88616, MedGen C3280127, MONDO:0013624, OMIM 614202.

Allele frequency attached by ClinVar (database versions not stated): gnomAD exomes 0.00102 and 0.00277; ExAC 0.00340; 1000 Genomes Project 0.00978; gnomAD 0.01017 and 0.01096; ESP Exome Variant Server 0.01046; 1000 Genomes Project 30x 0.01077; TOPMed 0.01141.

Submissions (5):

Labcorp Genetics (formerly Invitae), Labcorp
Classification: Benign for Rafiq syndrome. Last evaluated: 2026-01-28. Review status: criteria provided, single submitter. Criteria: Invitae Variant Classification Sherloc (09022015). Collection method: clinical testing. Allele origin: germline.

Illumina Laboratory Services, Illumina
Classification: Benign for Rafiq syndrome. Last evaluated: 2018-01-12. Review status: criteria provided, single submitter. Criteria: ICSL Variant Classification Criteria 13 December 2019. Collection method: clinical testing. Allele origin: germline.
Comment: This variant was observed in the ICSL laboratory as part of a predisposition screen in an ostensibly healthy population. It had not been previously curated by ICSL or reported in the Human Gene Mutation Database (HGMD: prior to June 1st, 2018), and was therefore a candidate for classification through an automated scoring system. Utilizing variant allele frequency, disease prevalence and penetrance estimates, and inheritance mode, an automated score was calculated to assess if this variant is too frequent to cause the disease. Based on the score and internal cut-off values, a variant classified as benign is not then subjected to further curation. The score for this variant resulted in a classification of benign for this disease.

Ambry Genetics
Classification: Benign for Inborn genetic diseases. Last evaluated: 2017-09-21. Review status: criteria provided, single submitter. Criteria: Ambry Variant Classification Scheme 2023. Collection method: clinical testing. Allele origin: germline.

Center for Pediatric Genomic Medicine, Children's Mercy Hospital and Clinics
Classification: Likely benign. Last evaluated: 2017-06-15. Review status: criteria provided, single submitter. Criteria: ACMG Guidelines, 2015. Collection method: clinical testing. Allele origin: germline.

Genetic Services Laboratory, University of Chicago
Classification: Likely benign for AllHighlyPenetrant. Review status: no assertion criteria provided. Collection method: clinical testing. Allele origin: germline. Inheritance: Autosomal recessive inheritance. Not counted in ClinVar's aggregate classification.
Comment: Likely benign based on allele frequency in 1000 Genomes Project or ESP global frequency and its presence in a patient with a rare or unrelated disease phenotype. NOT Sanger confirmed.

NM_016219.5(MAN1B1):c.602C>T (p.Pro201Leu)

Gene: MAN1B1 (mannosidase alpha class 1B member 1; plus strand). Cytogenetic location: 9q34.3.
Variant type: single nucleotide variant.
Coding change: c.602C>T on transcript NM_016219.5 (MANE Select); coding-DNA position 602, C replaced by T.
Protein change: p.Pro201Leu; replaces proline 201 with leucine.
Molecular consequence: missense variant. On other transcripts: non-coding transcript variant (2).
Genome position (GRCh38, 1-based): chr9:137,096,373, C>T. VCF-style: chr9-137096373-C-T. GRCh37 (hg19) VCF-style: chr9-139990825-C-T.
Other names: short protein forms P201L.
Identifiers: ClinVar variation 129581 (VCV000129581.25), dbSNP rs73569515, ClinGen allele CA153661.